The following is an entry in ClinVar:

NM_144997.7(FLCN):c.619G>A (p.Val207Met)

Gene: FLCN (folliculin; minus strand). Cytogenetic location: 17p11.2.
Variant type: single nucleotide variant.
Coding change: c.619G>A on transcript NM_144997.7 (MANE Select); coding-DNA position 619, G replaced by A.
Protein change: p.Val207Met; replaces valine 207 with methionine.
Molecular consequence: missense variant.
Genome position (GRCh38, 1-based): chr17:17,222,661, C>T on the plus strand (G>A on the coding strand, the complement: FLCN is on the minus strand). VCF-style: chr17-17222661-C-T. GRCh37 (hg19) VCF-style: chr17-17125975-C-T.
Other names: c.619G>A (LRG_325t1); c.673G>A, p.Val225Met (NM_001353229.2); c.619G>A, p.Val207Met (NM_001353230.2, NM_001353231.2, NM_144606.7); short protein forms V207M, V225M.
Identifiers: ClinVar variation 646914 (VCV000646914.9), dbSNP rs1597602620, ClinGen allele CA398534155.

ClinVar aggregate classification (germline): Uncertain significance. Review status: criteria provided, multiple submitters, no conflicts (2 of 4 stars). 2 submissions from 2 submitters: Uncertain significance (2). Last evaluated 2024-12-15.

Conditions:
Hereditary cancer-predisposing syndrome. Also called: Hereditary Cancer Syndrome; Tumor predisposition; Neoplastic Syndromes, Hereditary; Hereditary neoplastic syndrome. Identifiers: Orphanet 140162, MedGen C0027672, MeSH D009386, MONDO:0015356.
Birt-Hogg-Dube syndrome. Also called: Birt Hogg Dubé syndrome. Identifiers: Orphanet 122, MedGen C0346010, MONDO:0800444.

Submissions (2):

Labcorp Genetics (formerly Invitae), Labcorp
Classification: Uncertain significance for Birt-Hogg-Dube syndrome. Last evaluated: 2024-12-15. Review status: criteria provided, single submitter. Criteria: Invitae Variant Classification Sherloc (09022015). Collection method: clinical testing. Allele origin: germline.
Comment: This sequence change replaces valine, which is neutral and non-polar, with methionine, which is neutral and non-polar, at codon 207 of the FLCN protein (p.Val207Met). This variant is not present in population databases (gnomAD no frequency). This variant has not been reported in the literature in individuals affected with FLCN-related conditions. ClinVar contains an entry for this variant (Variation ID: 646914). An algorithm developed to predict the effect of missense changes on protein structure and function (PolyPhen-2) suggests that this variant is likely to be disruptive. In summary, the available evidence is currently insufficient to determine the role of this variant in disease. Therefore, it has been classified as a Variant of Uncertain Significance.

Ambry Genetics
Classification: Uncertain significance for Hereditary cancer-predisposing syndrome. Last evaluated: 2024-12-06. Review status: criteria provided, single submitter. Criteria: Ambry Variant Classification Scheme 2023. Collection method: clinical testing. Allele origin: germline.
Comment: The p.V207M variant (also known as c.619G>A) is located in coding exon 4 of the FLCN gene. The valine at codon 207 is replaced by methionine, an amino acid with highly similar properties. This change occurs in the first base pair of coding exon 4. This amino acid position is highly conserved in available vertebrate species. In addition, this alteration is predicted to be deleterious by in silico analysis. Since supporting evidence is limited at this time, the clinical significance of this alteration remains unclear.